The following is an entry in ClinVar:

NM_001111125.3(IQSEC2):c.1655C>A (p.Pro552Gln)

Gene: IQSEC2 (IQ motif and Sec7 domain ArfGEF 2; minus strand). Cytogenetic location: Xp11.22.
Variant type: single nucleotide variant.
Coding change: c.1655C>A on transcript NM_001111125.3 (MANE Select); coding-DNA position 1655, C replaced by A.
Protein change: p.Pro552Gln; replaces proline 552 with glutamine.
Molecular consequence: missense variant.
Genome position (GRCh38, 1-based): chrX:53,250,921, G>T on the plus strand (C>A on the coding strand, the complement: IQSEC2 is on the minus strand). VCF-style: chrX-53250921-G-T. GRCh37 (hg19) VCF-style: chrX-53280103-G-T.
Other names: c.1655C>A, p.Pro552Gln (NM_001410736.1); c.1040C>A, p.Pro347Gln (NM_015075.2); short protein forms P347Q, P552Q.
Identifiers: ClinVar variation 2499269 (VCV002499269.1), dbSNP rs1296515292, ClinGen allele CA413164749.

ClinVar aggregate classification (germline): Uncertain significance (1 of 4 stars; one submission).

Submission:

GeneDx
Classification: Uncertain significance. Last evaluated: 2022-10-14. Review status: criteria provided, single submitter. Criteria: GeneDx Variant Classification Process June 2021. Collection method: clinical testing. Allele origin: germline. Affected: yes.
Comment: Not observed at significant frequency in large population cohorts (gnomAD); In silico analysis supports that this missense variant does not alter protein structure/function; Has not been previously published as pathogenic or benign to our knowledge